The following is an entry in ClinVar:

NM_016953.4(PDE11A):c.1984C>G (p.Leu662Val)

Gene: PDE11A (phosphodiesterase 11A; minus strand). Cytogenetic location: 2q31.2.
Variant type: single nucleotide variant.
Coding change: c.1984C>G on transcript NM_016953.4 (MANE Select); coding-DNA position 1984, C replaced by G.
Protein change: p.Leu662Val; replaces leucine 662 with valine.
Molecular consequence: missense variant.
Genome position (GRCh38, 1-based): chr2:177,727,717, G>C on the plus strand (C>G on the coding strand, the complement: PDE11A is on the minus strand). VCF-style: chr2-177727717-G-C. GRCh37 (hg19) VCF-style: chr2-178592445-G-C.
Other names: c.652C>G, p.Leu218Val (NM_001077196.2); c.1234C>G, p.Leu412Val (NM_001077197.2); c.910C>G, p.Leu304Val (NM_001077358.2); short protein forms L218V, L304V, L412V, L662V.
Identifiers: ClinVar variation 1049003 (VCV001049003.24), dbSNP rs146111360, ClinGen allele CA1981739.

ClinVar aggregate classification (germline): Uncertain significance. Review status: criteria provided, single submitter (1 of 4 stars). 2 submissions from 2 submitters: Uncertain significance (1). 1 of the submissions does not count toward it. Last evaluated 2023-11-01.

Allele frequency attached by ClinVar (database versions not stated): ExAC 0.00014; gnomAD 0.00014 and 0.00015; ESP Exome Variant Server 0.00015; 1000 Genomes Project 30x 0.00016; gnomAD exomes 0.00017 and 0.00026; TOPMed 0.00017; 1000 Genomes Project 0.00020.
gnomAD v4.1: 396 of 1,612,138 alleles (0.025%); highest among the groups gnomAD compares: Non-Finnish European, 0.032%; no homozygotes.

Submissions (2):

CeGaT Center for Human Genetics Tuebingen
Classification: Uncertain significance. Last evaluated: 2023-11-01. Review status: criteria provided, single submitter. Criteria: CeGaT Center For Human Genetics Tuebingen Variant Classification Criteria Version 2. Collection method: clinical testing. Allele origin: germline. Affected: yes. Observed: 1 variant allele.
Comment: PDE11A: PM1

Department of Pathology and Laboratory Medicine, Sinai Health System
Classification: Uncertain significance. Review status: no assertion criteria provided. Collection method: clinical testing. Allele origin: unknown. Affected: yes. Study: The Canadian Open Genetics Repository (COGR). Not counted in ClinVar's aggregate classification.
Comment: The PDE11A p.Leu218Val variant was not identified in the literature nor was it identified in ClinVar, Cosmic, or LOVD 3.0 databases. The variant was also identified in dbSNP (ID: rs146111360) and was also found in control databases in 51 of 282668 chromosomes at a frequency of 0.00018 (Genome Aggregation Database Feb 27, 2017). The variant was observed in the following populations: European (non-Finnish) in 46 of 129054 chromosomes (freq: 0.000356), Other in 1 of 7220 chromosomes (freq: 0.000139), Latino in 3 of 35392 chromosomes (freq: 0.000085), European (Finnish) in 1 of 25124 chromosomes (freq: 0.00004), while the variant was not observed in the African, Ashkenazi Jewish, East Asian, and South Asian populations. The p.Leu218 residue is conserved in in mammals but not in more distantly related organisms however computational analyses (PolyPhen-2, SIFT, AlignGVGD, BLOSUM, MutationTaster) do not suggest a high likelihood of impact to the protein; this information is not predictive enough to rule out pathogenicity. The variant occurs outside of the splicing consensus sequence and in silico or computational prediction software programs (SpliceSiteFinder, MaxEntScan, NNSPLICE, GeneSplicer) do not predict a difference in splicing. In summary, based on the above information the clinical significance of this variant cannot be determined with certainty at this time. This variant is classified as a variant of uncertain significance.